The following is an entry in ClinVar:

NM_020937.4(FANCM):c.2439G>C (p.Lys813Asn)

Gene: FANCM (FA complementation group M; plus strand). Cytogenetic location: 14q21.2.
Variant type: single nucleotide variant.
Coding change: c.2439G>C on transcript NM_020937.4 (MANE Select); coding-DNA position 2439, G replaced by C.
Protein change: p.Lys813Asn; replaces lysine 813 with asparagine.
Molecular consequence: missense variant.
Genome position (GRCh38, 1-based): chr14:45,175,193, G>C. VCF-style: chr14-45175193-G-C. GRCh37 (hg19) VCF-style: chr14-45644396-G-C.
Other names: c.2361G>C, p.Lys787Asn (NM_001308133.2); short protein forms K787N, K813N.
Identifiers: ClinVar variation 4871092 (VCV004871092.1).
Genomic context (GRCh38, chr14:45,175,193, plus strand): 5'-ATTTATTGCTCCCAGGAATGAATCTAATAATCTTGCCAGTGACACCTTTATCACTCACAA[G>C]AAATCGTCATTTATAAAGAACATAAATCAAGGCAGTTCATCCTCAGTGATAGAATCTGAT-3'
Protein context (NP_065988.1, residues 803-823): NLASDTFITH[Lys813Asn]KSSFIKNINQ

ClinVar aggregate classification (germline): Uncertain significance (1 of 4 stars; one submission).

Conditions:
Inborn genetic diseases. Identifiers: MedGen C0950123, MeSH D030342.

gnomAD v4.1: 1 of 1,611,552 alleles (0.000062%); highest among the groups gnomAD compares: East Asian, 0.0022%; no homozygotes.

Submission:

Ambry Genetics
Classification: Uncertain significance for Inborn genetic diseases. Last evaluated: 2026-04-22. Review status: criteria provided, single submitter. Criteria: Ambry Variant Classification Scheme 2023. Collection method: clinical testing. Allele origin: germline.
Comment: The p.K813N variant (also known as c.2439G>C), located in coding exon 14 of the FANCM gene, results from a G to C substitution at nucleotide position 2439. The lysine at codon 813 is replaced by asparagine, an amino acid with similar properties. This amino acid position is conserved. In addition, this alteration is predicted to be tolerated by in silico analysis. Based on the available evidence, the clinical significance of this variant remains unclear.